The following is an entry in ClinVar:

NM_003922.4(HERC1):c.10458T>A (p.Asp3486Glu)

Gene: HERC1 (HECT and RLD domain containing E3 ubiquitin protein ligase family member 1; minus strand). Cytogenetic location: 15q22.31.
Variant type: single nucleotide variant.
Coding change: c.10458T>A on transcript NM_003922.4 (MANE Select); coding-DNA position 10458, T replaced by A.
Protein change: p.Asp3486Glu; replaces aspartic acid 3486 with glutamic acid.
Molecular consequence: missense variant.
Genome position (GRCh38, 1-based): chr15:63,651,341, A>T on the plus strand (T>A on the coding strand, the complement: HERC1 is on the minus strand). VCF-style: chr15-63651341-A-T. GRCh37 (hg19) VCF-style: chr15-63943540-A-T.
Other names: c.10458T>A (NM_003922.3); short protein forms D3486E.
Identifiers: ClinVar variation 2083529 (VCV002083529.7), dbSNP rs764392945, ClinGen allele CA7604455.

ClinVar aggregate classification (germline): Uncertain significance. Review status: criteria provided, multiple submitters, no conflicts (2 of 4 stars). 4 submissions from 4 submitters: Uncertain significance (4). Last evaluated 2026-03-11.

Conditions:
Inborn genetic diseases. Identifiers: MedGen C0950123, MeSH D030342.

Allele frequency attached by ClinVar (database versions not stated): gnomAD exomes 0.00003; ExAC 0.00004; TOPMed 0.00006; gnomAD 0.00007.
gnomAD v4.1: 52 of 1,613,760 alleles (0.0032%); highest among the groups gnomAD compares: Admixed American, 0.027%; no homozygotes.

Submissions (4):

GeneDx
Classification: Uncertain significance. Last evaluated: 2026-03-11. Review status: criteria provided, single submitter. Criteria: GeneDx Variant Classification Process June 2021. Collection method: clinical testing. Allele origin: germline.
Comment: In silico analysis suggests that this missense variant does not alter protein structure/function; Has not been previously published as pathogenic or benign to our knowledge

Greenwood Genetic Center Diagnostic Laboratories, Greenwood Genetic Center
Classification: Uncertain significance. Last evaluated: 2025-11-20. Review status: criteria provided, single submitter. Criteria: ACMG Guidelines, 2015. Collection method: clinical testing. Allele origin: germline. Affected: yes.
Comment: PM2, PP2

Ambry Genetics
Classification: Uncertain significance for Inborn genetic diseases. Last evaluated: 2025-01-21. Review status: criteria provided, single submitter. Criteria: Ambry Variant Classification Scheme 2023. Collection method: clinical testing. Allele origin: germline.

Labcorp Genetics (formerly Invitae), Labcorp
Classification: Uncertain significance. Last evaluated: 2023-07-07. Review status: criteria provided, single submitter. Criteria: Invitae Variant Classification Sherloc (09022015). Collection method: clinical testing. Allele origin: germline.
Comment: ClinVar contains an entry for this variant (Variation ID: 2083529). Advanced modeling of protein sequence and biophysical properties (such as structural, functional, and spatial information, amino acid conservation, physicochemical variation, residue mobility, and thermodynamic stability) has been performed at Invitae for this missense variant, however the output from this modeling did not meet the statistical confidence thresholds required to predict the impact of this variant on HERC1 protein function. In summary, the available evidence is currently insufficient to determine the role of this variant in disease. Therefore, it has been classified as a Variant of Uncertain Significance. This sequence change replaces aspartic acid, which is acidic and polar, with glutamic acid, which is acidic and polar, at codon 3486 of the HERC1 protein (p.Asp3486Glu). This variant is present in population databases (rs764392945, gnomAD 0.04%). This variant has not been reported in the literature in individuals affected with HERC1-related conditions.